The following is an entry in ClinVar:

NM_017799.4(TMEM260):c.299T>C (p.Leu100Ser)

Gene: TMEM260 (transmembrane protein 260; plus strand). Cytogenetic location: 14q22.3.
Variant type: single nucleotide variant.
Coding change: c.299T>C on transcript NM_017799.4 (MANE Select); coding-DNA position 299, T replaced by C.
Protein change: p.Leu100Ser; replaces leucine 100 with serine.
Molecular consequence: missense variant.
Genome position (GRCh38, 1-based): chr14:56,585,867, T>C. VCF-style: chr14-56585867-T-C. GRCh37 (hg19) VCF-style: chr14-57052585-T-C.
Other names: short protein forms L100S.
Identifiers: ClinVar variation 1033445 (VCV001033445.1), dbSNP rs767880042, ClinGen allele CA7199693.

ClinVar aggregate classification (germline): Uncertain significance (1 of 4 stars; one submission).

Conditions:
Structural heart defects and renal anomalies syndrome (SHDRA). Identifiers: Orphanet 689822, MedGen C4479549, MONDO:0044321, OMIM 617478.

Allele frequency attached by ClinVar (database versions not stated): TOPMed below 0.00001; gnomAD 0.00001 and 0.00002; gnomAD exomes 0.00003 and 0.00005; ExAC 0.00008.
gnomAD v4.1: 44 of 1,613,460 alleles (0.0027%); highest among the groups gnomAD compares: South Asian, 0.033%; 1 homozygote.

Submission:

Baylor Genetics
Classification: Uncertain significance for Structural heart defects and renal anomalies syndrome. Last evaluated: 2018-05-25. Review status: criteria provided, single submitter. Criteria: ACMG Guidelines, 2015. Collection method: clinical testing. Allele origin: paternal. Affected: yes.
Comment: This variant was determined to be of uncertain significance according to ACMG Guidelines, 2015 [PMID:25741868].